The following is an entry in ClinVar:

NM_000059.4(BRCA2):c.5723_5724del (p.Leu1908fs)

Gene: BRCA2 (BRCA2 DNA repair associated; plus strand). Cytogenetic location: 13q13.1.
Variant type: Deletion.
Coding change: c.5723_5724del on transcript NM_000059.4 (MANE Select); coding-DNA positions 5723 to 5724, 2 bases deleted (TA; older notation c.5723_5724delTA).
Protein change: p.Leu1908fs; shifts the reading frame from leucine 1908.
Molecular consequence: frameshift variant.
Genome position (GRCh38, 1-based): chr13:32,340,078-32,340,079, TA deleted. VCF-style (leftmost placement, unchanged base first): chr13-32340077-CTA-C. GRCh37 (hg19) VCF-style: chr13-32914214-CTA-C.
Other names: 5951delTA-ter1909; c.5723_5724delTA (NM_000059.3).
Identifiers: ClinVar variation 266893 (VCV000266893.25), dbSNP rs886040608, ClinGen allele CA10589327.
Genomic context (GRCh38, chr13:32,340,077, plus strand): 5'-AAAATTATGGCAGGTTGTTACGAGGCATTGGATGATTCAGAGGATATTCTTCATAACTCT[CTA>C]GATAATGATGAATGTAGCACGCATTCACATAAGGTTTTTGCTGACATTCAGAGTGAAGAA-3'

ClinVar aggregate classification (germline): Pathogenic. Review status: reviewed by expert panel (3 of 4 stars). 7 submissions from 7 submitters: Pathogenic (1). 6 of the submissions do not count toward it. Last evaluated 2016-10-18.

Conditions:
Breast-ovarian cancer, familial, susceptibility to, 2 (BROVCA2). Also called: BRCA2 Hereditary Breast and Ovarian Cancer. Identifiers: Orphanet 145, MedGen C2675520, MONDO:0012933, OMIM 612555. Disease mechanism: loss of function.
Hereditary cancer-predisposing syndrome. Also called: Hereditary neoplastic syndrome; Neoplastic Syndromes, Hereditary; Tumor predisposition; Hereditary Cancer Syndrome. Identifiers: Orphanet 140162, MedGen C0027672, MeSH D009386, MONDO:0015356.
Hereditary breast ovarian cancer syndrome. Also called: BRCA1- and BRCA2-Associated Hereditary Breast and Ovarian Cancer; Hereditary breast and ovarian cancer; Breast and ovarian cancer; Hereditary breast and/or ovarian cancer syndrome; Hereditary breast and ovarian cancer syndrome; Hereditary breast and ovarian cancer syndrome (HBOC). Identifiers: Orphanet 145, MedGen C0677776, MeSH D061325, MONDO:0003582. Disease mechanism: loss of function.

Submissions (7):

Evidence-based Network for the Interpretation of Germline Mutant Alleles (ENIGMA)
Classification: Pathogenic for Breast-ovarian cancer, familial, susceptibility to, 2. Last evaluated: 2016-10-18. Review status: reviewed by expert panel. Criteria: ENIGMA BRCA1/2 Classification Criteria (2015). Collection method: curation. Allele origin: germline.
Comment: Variant allele predicted to encode a truncated non-functional protein.

Labcorp Genetics (formerly Invitae), Labcorp
Classification: Pathogenic for Hereditary breast ovarian cancer syndrome. Last evaluated: 2022-08-22. Review status: criteria provided, single submitter. Criteria: Invitae Variant Classification Sherloc (09022015). Collection method: clinical testing. Allele origin: germline. Not counted in ClinVar's aggregate classification.
Comment: For these reasons, this variant has been classified as Pathogenic. ClinVar contains an entry for this variant (Variation ID: 266893). This premature translational stop signal has been observed in individual(s) with breast and/or ovarian cancer (PMID: 20683152, 29339979, 29446198, 30078507, 30720863). This variant is not present in population databases (gnomAD no frequency). This sequence change creates a premature translational stop signal (p.Leu1908Argfs*2) in the BRCA2 gene. It is expected to result in an absent or disrupted protein product. Loss-of-function variants in BRCA2 are known to be pathogenic (PMID: 20104584).

Centre for Mendelian Genomics, University Medical Centre Ljubljana
Classification: Pathogenic for Breast-ovarian cancer, familial, susceptibility to, 2. Last evaluated: 2018-10-10. Review status: criteria provided, single submitter. Criteria: ACMG Guidelines, 2015. Collection method: clinical testing. Allele origin: unknown. Affected: yes. Not counted in ClinVar's aggregate classification.
Comment: This variant was classified as: Pathogenic. The following ACMG criteria were applied in classifying this variant: PVS1,PM2,PP5.

Ambry Genetics
Classification: Pathogenic for Hereditary cancer-predisposing syndrome. Last evaluated: 2017-04-11. Review status: criteria provided, single submitter. Criteria: Ambry Variant Classification Scheme 2023. Collection method: clinical testing. Allele origin: germline. Not counted in ClinVar's aggregate classification.
Comment: The c.5723_5724delTA pathogenic mutation, located in coding exon 10 of the BRCA2 gene, results from a deletion of two nucleotides at nucleotide positions 5723 to 5724, causing a translational frameshift with a predicted alternate stop codon (p.L1908Rfs*2). This alteration is expected to result in loss of function by premature protein truncation or nonsense-mediated mRNA decay. As such, this alteration is interpreted as a disease-causing mutation.

GeneDx
Classification: Pathogenic. Last evaluated: 2015-11-06. Review status: criteria provided, single submitter. Criteria: GeneDx Variant Classification (06012015). Collection method: clinical testing. Allele origin: germline. Affected: yes. Not counted in ClinVar's aggregate classification.
Comment: This deletion of 2 nucleotides in BRCA2 is denoted c.5723_5724delTA at the cDNA level and p.Leu1908ArgfsX2(L1908RfsX2) at the protein level. Using alternate nomenclature, this variant would be defined as BRCA2 5951_5952delTA. The normal sequence, with the bases that are deleted in braces, is TCTC[TA]GATA. The deletion causes a frameshift, which changes a Leucine to an Arginine at codon 1908, and creates a premature stop codon at position 2 of the new reading frame. Although this variant has not, to our knowledge, been reported in the literature, it is predicted to cause loss of normal protein function through either protein truncation or nonsense-mediated mRNA decay. We consider this variant to be pathogenic.

Consortium of Investigators of Modifiers of BRCA1/2 (CIMBA), c/o University of Cambridge
Classification: Pathogenic for Breast-ovarian cancer, familial, susceptibility to, 2. Last evaluated: 2015-10-02. Review status: criteria provided, single submitter. Criteria: CIMBA Mutation Classification guidelines May 2016. Collection method: clinical testing. Allele origin: germline. Not counted in ClinVar's aggregate classification.

Department of Pathology and Laboratory Medicine, Sinai Health System
Classification: Uncertain significance. Review status: no assertion criteria provided. Collection method: clinical testing. Allele origin: unknown. Affected: yes. Observed: 2 variant alleles. Study: The Canadian Open Genetics Repository (COGR). Not counted in ClinVar's aggregate classification.

Literature cited by the submitters: PubMed 20683152 (cited by Labcorp Genetics (formerly Invitae), Labcorp); PubMed 29339979 (cited by Labcorp Genetics (formerly Invitae), Labcorp); PubMed 29446198 (cited by Labcorp Genetics (formerly Invitae), Labcorp); PubMed 30078507 (cited by Labcorp Genetics (formerly Invitae), Labcorp); PubMed 30720863 (cited by Labcorp Genetics (formerly Invitae), Labcorp); PubMed 20104584 (cited by Labcorp Genetics (formerly Invitae), Labcorp).